The following is an entry in ClinVar:

NM_001458.5(FLNC):c.3863T>G (p.Val1288Gly)

Gene: FLNC (filamin C; plus strand). Cytogenetic location: 7q32.1.
Variant type: single nucleotide variant.
Coding change: c.3863T>G on transcript NM_001458.5 (MANE Select); coding-DNA position 3863, T replaced by G.
Protein change: p.Val1288Gly; replaces valine 1288 with glycine.
Molecular consequence: missense variant.
Genome position (GRCh38, 1-based): chr7:128,846,062, T>G. VCF-style: chr7-128846062-T-G. GRCh37 (hg19) VCF-style: chr7-128486116-T-G.
Other names: c.3863T>G, p.Val1288Gly (NM_001127487.2); short protein forms V1288G.
Identifiers: ClinVar variation 4258268 (VCV004258268.1).

ClinVar aggregate classification (germline): Uncertain significance (1 of 4 stars; one submission).

Conditions:
Cardiovascular phenotype. Identifiers: MedGen CN230736.

Submission:

Ambry Genetics
Classification: Uncertain significance for Cardiovascular phenotype. Last evaluated: 2025-06-23. Review status: criteria provided, single submitter. Criteria: Ambry Variant Classification Scheme 2023. Collection method: clinical testing. Allele origin: germline.
Comment: The p.V1288G variant (also known as c.3863T>G), located in coding exon 22 of the FLNC gene, results from a T to G substitution at nucleotide position 3863. The valine at codon 1288 is replaced by glycine, an amino acid with dissimilar properties. This amino acid position is conserved. In addition, the in silico prediction for this alteration is inconclusive. Based on the available evidence, the clinical significance of this variant remains unclear.